The following is an entry in ClinVar:

ClinVar aggregate classification (germline): Uncertain significance (1 of 4 stars; one submission).

Submission:

Labcorp Genetics (formerly Invitae), Labcorp
Classification: Uncertain significance. Last evaluated: 2025-08-26. Review status: criteria provided, single submitter. Criteria: Invitae Variant Classification Sherloc (09022015). Collection method: clinical testing. Allele origin: germline.
Comment: This sequence change replaces phenylalanine, which is neutral and non-polar, with leucine, which is neutral and non-polar, at codon 126 of the GATA5 protein (p.Phe126Leu). This variant is not present in population databases (gnomAD no frequency). This variant has not been reported in the literature in individuals affected with GATA5-related conditions. Invitae Evidence Modeling of protein sequence and biophysical properties (such as structural, functional, and spatial information, amino acid conservation, physicochemical variation, residue mobility, and thermodynamic stability) indicates that this missense variant is not expected to disrupt GATA5 protein function with a negative predictive value of 80%. In summary, the available evidence is currently insufficient to determine the role of this variant in disease. Therefore, it has been classified as a Variant of Uncertain Significance.

NM_080473.5(GATA5):c.378C>A (p.Phe126Leu)

Gene: GATA5 (GATA binding protein 5; minus strand). Cytogenetic location: 20q13.33.
Variant type: single nucleotide variant.
Coding change: c.378C>A on transcript NM_080473.5 (MANE Select); coding-DNA position 378, C replaced by A.
Protein change: p.Phe126Leu; replaces phenylalanine 126 with leucine.
Molecular consequence: missense variant.
Genome position (GRCh38, 1-based): chr20:62,475,144, G>T on the plus strand (C>A on the coding strand, the complement: GATA5 is on the minus strand). VCF-style: chr20-62475144-G-T. GRCh37 (hg19) VCF-style: chr20-61050200-G-T.
Other names: short protein forms F126L.
Identifiers: ClinVar variation 4745486 (VCV004745486.1).